The following is an entry in ClinVar:

NM_170743.4(IFNLR1):c.183-7C>T

Gene: IFNLR1 (interferon lambda receptor 1; minus strand). Cytogenetic location: 1p36.11.
Variant type: single nucleotide variant.
Coding change: c.183-7C>T on transcript NM_170743.4 (MANE Select); 7 bases into the intron before coding-DNA position 183, C replaced by T.
Molecular consequence: intron variant.
Genome position (GRCh38, 1-based): chr1:24,169,608, G>A on the plus strand (C>T on the coding strand, the complement: IFNLR1 is on the minus strand). VCF-style: chr1-24169608-G-A. GRCh37 (hg19) VCF-style: chr1-24496098-G-A.
Other names: c.183-7C>T (NM_173065.3, NM_173064.3).
Identifiers: ClinVar variation 3040145 (VCV003040145.2), dbSNP rs750327742, ClinGen allele CA689678.

ClinVar aggregate classification (germline): Likely benign (0 of 4 stars; one submission).

Conditions:
IFNLR1-related disorder. Also called: IFNLR1-related condition.

Allele frequency attached by ClinVar (database versions not stated): TOPMed 0.00002; gnomAD 0.00003; ExAC 0.00008.
gnomAD v4.1: 43 of 1,609,912 alleles (0.0027%); highest among the groups gnomAD compares: Admixed American, 0.029%; no homozygotes.

Submission:

PreventionGenetics, part of Exact Sciences
Classification: Likely benign for IFNLR1-related condition. Last evaluated: 2019-09-23. Review status: no assertion criteria provided. Collection method: clinical testing. Allele origin: germline.
Comment: This variant is classified as likely benign based on ACMG/AMP sequence variant interpretation guidelines (Richards et al. 2015 PMID: 25741868, with internal and published modifications).